The following is an entry in ClinVar:

ClinVar aggregate classification (germline): Uncertain significance. Review status: criteria provided, multiple submitters, no conflicts (2 of 4 stars). 2 submissions from 2 submitters: Uncertain significance (2). Last evaluated 2026-03-10.

Allele frequency attached by ClinVar (database versions not stated): gnomAD exomes below 0.00001; ExAC 0.00001.
gnomAD v4.1: 2 of 1,613,448 alleles (0.00012%); highest among the groups gnomAD compares: Admixed American, 0.0017%; no homozygotes.

Submissions (2):

GeneDx
Classification: Uncertain significance. Last evaluated: 2026-03-10. Review status: criteria provided, single submitter. Criteria: GeneDx Variant Classification Process June 2021. Collection method: clinical testing. Allele origin: germline.
Comment: Not observed at significant frequency in large population cohorts (gnomAD); In silico analysis suggests that this missense variant does not alter protein structure/function; Has not been previously published as pathogenic or benign to our knowledge

Labcorp Genetics (formerly Invitae), Labcorp
Classification: Uncertain significance. Last evaluated: 2022-08-03. Review status: criteria provided, single submitter. Criteria: Invitae Variant Classification Sherloc (09022015). Collection method: clinical testing. Allele origin: germline.
Comment: This sequence change replaces glutamic acid, which is acidic and polar, with lysine, which is basic and polar, at codon 1383 of the USH2A protein (p.Glu1383Lys). This variant is present in population databases (rs766379721, gnomAD 0.003%). This variant has not been reported in the literature in individuals affected with USH2A-related conditions. Algorithms developed to predict the effect of missense changes on protein structure and function (SIFT, PolyPhen-2, Align-GVGD) all suggest that this variant is likely to be tolerated. In summary, the available evidence is currently insufficient to determine the role of this variant in disease. Therefore, it has been classified as a Variant of Uncertain Significance.

NM_206933.4(USH2A):c.4147G>A (p.Glu1383Lys)

Genes: USH2A (usherin; minus strand), USH2A-AS1 (USH2A antisense RNA 1; plus strand). Cytogenetic location: 1q41.
Variant type: single nucleotide variant.
Coding change: c.4147G>A on transcript NM_206933.4 (MANE Select); coding-DNA position 4147, G replaced by A.
Protein change: p.Glu1383Lys; replaces glutamic acid 1383 with lysine.
Molecular consequence: missense variant.
Genome position (GRCh38, 1-based): chr1:216,196,657, C>T on the plus strand (G>A on the coding strand, the complement: USH2A is on the minus strand). VCF-style: chr1-216196657-C-T. GRCh37 (hg19) VCF-style: chr1-216369999-C-T.
Other names: c.4147G>A, p.Glu1383Lys (NM_007123.6); c.4147G>A (NM_206933.2); short protein forms E1383K.
Identifiers: ClinVar variation 2191281 (VCV002191281.2), dbSNP rs766379721, ClinGen allele CA1395795.
Genomic context (GRCh38, chr1:216,196,657, plus strand): 5'-AAAGCATATTGATGTCATACCCCACAACTTTTCCTCTTGTAACATTATCTGCTGGCTTCT[C>T]CCAGGAGATATTGAGAGAGTACGAAGAGAGGGGAAAGACTGAAGGAGGGATCATGAATAC-3'
Protein context (NP_996816.3, residues 1373-1393): LSSYSLNISW[Glu1383Lys]KPADNVTRGK